The following is an entry in ClinVar:

NM_001854.4(COL11A1):c.67_74delinsCT (p.Ala23_Thr25delinsLeu)

Gene: COL11A1 (collagen type XI alpha 1 chain; minus strand). Cytogenetic location: 1p21.1.
Variant type: Indel.
Coding change: c.67_74delinsCT on transcript NM_001854.4 (MANE Select); coding-DNA positions 67 to 74, GCATTGAC replaced by CT.
Protein change: p.Ala23_Thr25delinsLeu.
Molecular consequence: inframe indel. On other transcripts: non-coding transcript variant (1).
Genome position (GRCh38, 1-based): chr1:103,108,105-103,108,112, GTCAATGC replaced by AG on the plus strand (GCATTGAC replaced by CT on the coding strand, the reverse complement: COL11A1 is on the minus strand). VCF-style: chr1-103108105-GTCAATGC-AG. GRCh37 (hg19) VCF-style: chr1-103573661-GTCAATGC-AG.
Other names: c.67_74delinsCT, p.Ala23_Thr25delinsLeu (NM_001190709.2, NM_080629.3, NM_080630.4).
Identifiers: ClinVar variation 1304232 (VCV001304232.2), dbSNP rs2102453038, ClinGen allele CA2573051328.

ClinVar aggregate classification (germline): Uncertain significance (1 of 4 stars; one submission).

Submission:

GeneDx
Classification: Uncertain significance. Last evaluated: 2020-05-12. Review status: criteria provided, single submitter. Criteria: GeneDx Variant Classification Process June 2021. Collection method: clinical testing. Allele origin: germline. Affected: yes.
Comment: Not observed in large population cohorts (Lek et al., 2016); In-frame deletion of 3 amino acids and insertion of 1 amino acid in a non-repeat region; In silico analysis supports that this variant does not alter protein structure/function; Has not been previously published as pathogenic or benign to our knowledge